The following is an entry in ClinVar:

NM_020297.4(ABCC9):c.1979G>A (p.Arg660Gln)

Gene: ABCC9 (ATP binding cassette subfamily C member 9; minus strand). Cytogenetic location: 12p12.1.
Variant type: single nucleotide variant.
Coding change: c.1979G>A on transcript NM_020297.4 (MANE Select); coding-DNA position 1979, G replaced by A.
Protein change: p.Arg660Gln; replaces arginine 660 with glutamine.
Molecular consequence: missense variant.
Genome position (GRCh38, 1-based): chr12:21,882,806, C>T on the plus strand (G>A on the coding strand, the complement: ABCC9 is on the minus strand). VCF-style: chr12-21882806-C-T. GRCh37 (hg19) VCF-style: chr12-22035740-C-T.
Other names: c.1979G>A, p.Arg660Gln (NM_001377273.1, NM_005691.4); c.1115G>A, p.Arg372Gln (NM_001377274.1); c.1979G>A (NM_020297.2); short protein forms R660Q, R372Q.
Identifiers: ClinVar variation 464658 (VCV000464658.14), dbSNP rs150255709, ClinGen allele CA6481538.

ClinVar aggregate classification (germline): Conflicting classifications of pathogenicity. Review status: criteria provided, conflicting classifications (1 of 4 stars). 5 submissions from 5 submitters: Uncertain significance (4); Likely benign (1). Last evaluated 2026-01-26.

Conditions:
Dilated cardiomyopathy 1O (CMD1O). Also called: CARDIOMYOPATHY, DILATED, WITH VENTRICULAR TACHYCARDIA. Identifiers: Orphanet 154, MedGen C1837839, MONDO:0012062, OMIM 608569.
Atrial fibrillation, familial, 12 (ATFB12). Identifiers: MedGen C3279695, MONDO:0013545, OMIM 614050.
Intellectual disability and myopathy syndrome (IDMYS). Identifiers: MedGen C5676904, MONDO:0859224, OMIM 619719.
Hypertrichotic osteochondrodysplasia Cantu type. Also called: Cantú Syndrome; Cantu Syndrome. Identifiers: Orphanet 1517, MedGen C0795905, MONDO:0009406, OMIM 239850.
Cardiovascular phenotype. Identifiers: MedGen CN230736.

Allele frequency attached by ClinVar (database versions not stated): gnomAD exomes 0.00001 and 0.00004; ExAC 0.00006; gnomAD 0.00006; TOPMed 0.00006; ESP Exome Variant Server 0.00015; 1000 Genomes Project 30x 0.00031; 1000 Genomes Project 0.00040.
gnomAD v4.1: 30 of 1,613,920 alleles (0.0019%); highest among the groups gnomAD compares: Middle Eastern, 0.05%; no homozygotes.

Submissions (5):

Labcorp Genetics (formerly Invitae), Labcorp
Classification: Uncertain significance for Dilated cardiomyopathy 1O. Last evaluated: 2026-01-26. Review status: criteria provided, single submitter. Criteria: Invitae Variant Classification Sherloc (09022015). Collection method: clinical testing. Allele origin: germline.
Comment: This sequence change replaces arginine, which is basic and polar, with glutamine, which is neutral and polar, at codon 660 of the ABCC9 protein (p.Arg660Gln). This variant is present in population databases (rs150255709, gnomAD 0.03%). This variant has not been reported in the literature in individuals affected with ABCC9-related conditions. ClinVar contains an entry for this variant (Variation ID: 464658). Invitae Evidence Modeling of protein sequence and biophysical properties (such as structural, functional, and spatial information, amino acid conservation, physicochemical variation, residue mobility, and thermodynamic stability) indicates that this missense variant is not expected to disrupt ABCC9 protein function with a negative predictive value of 95%. In summary, the available evidence is currently insufficient to determine the role of this variant in disease. Therefore, it has been classified as a Variant of Uncertain Significance.

ARUP Laboratories, Molecular Genetics and Genomics, ARUP Laboratories
Classification: Uncertain significance. Last evaluated: 2024-06-21. Review status: criteria provided, single submitter. Criteria: ARUP Molecular Germline Variant Investigation Process 2024. Collection method: clinical testing. Allele origin: germline.
Comment: The ABCC9 c.1979G>A; p.Arg660Gln variant (rs150255709), to our knowledge, is not reported in the medical literature but is reported in ClinVar (Variation ID: 464658). This variant is observed in the general population with an overall allele frequency of 0.004% (12/282746 alleles) in the Genome Aggregation Database (v2.1.1). Computational analyses are uncertain whether this variant is neutral or deleterious (REVEL: 0.354). Due to limited information, the clinical significance of this variant is uncertain at this time.

Ambry Genetics
Classification: Likely benign for Cardiovascular phenotype. Last evaluated: 2024-05-13. Review status: criteria provided, single submitter. Criteria: Ambry Variant Classification Scheme 2023. Collection method: clinical testing. Allele origin: germline.

GeneDx
Classification: Uncertain significance. Last evaluated: 2023-12-05. Review status: criteria provided, single submitter. Criteria: GeneDx Variant Classification Process June 2021. Collection method: clinical testing. Allele origin: germline. Affected: yes.
Comment: In silico analysis supports that this missense variant does not alter protein structure/function; Has not been previously published as pathogenic or benign to our knowledge

Fulgent Genetics
Classification: Uncertain significance for Hypertrichotic osteochondrodysplasia Cantu type; Dilated cardiomyopathy 1O; Atrial fibrillation, familial, 12; Intellectual disability and myopathy syndrome. Last evaluated: 2021-09-23. Review status: criteria provided, single submitter. Criteria: ACMG Guidelines, 2015. Collection method: clinical testing. Allele origin: unknown.